The following is an entry in ClinVar:

ClinVar aggregate classification (germline): Pathogenic (1 of 4 stars; one submission).

Conditions:
Familial adenomatous polyposis 1 (FAP1). Also called: FAMILIAL ADENOMATOUS POLYPOSIS 1, ATTENUATED; POLYPOSIS, ADENOMATOUS INTESTINAL. Identifiers: MedGen C2713442, MONDO:0021056, OMIM 175100. Disease mechanism: loss of function.

Submission:

Labcorp Genetics (formerly Invitae), Labcorp
Classification: Pathogenic for Familial adenomatous polyposis 1. Last evaluated: 2024-05-15. Review status: criteria provided, single submitter. Criteria: Invitae Variant Classification Sherloc (09022015). Collection method: clinical testing. Allele origin: germline.
Comment: This sequence change creates a premature translational stop signal (p.Glu138Argfs*32) in the APC gene. It is expected to result in an absent or disrupted protein product. Loss-of-function variants in APC are known to be pathogenic (PMID: 17963004, 20685668). This variant is not present in population databases (gnomAD no frequency). This variant has not been reported in the literature in individuals affected with APC-related conditions. For these reasons, this variant has been classified as Pathogenic.

Literature cited by the submitters: PubMed 17963004; PubMed 20685668.

NM_000038.6(APC):c.409del (p.Glu138fs)

Gene: APC (APC regulator of Wnt signaling pathway; plus strand). Cytogenetic location: 5q22.2.
Variant type: Deletion.
Coding change: c.409del on transcript NM_000038.6 (MANE Select); coding-DNA position 409, one base deleted (C; older notation c.409delC).
Protein change: p.Glu138fs; shifts the reading frame from glutamic acid 138.
Molecular consequence: frameshift variant. On other transcripts: 5 prime UTR variant (4), non-coding transcript variant (2).
Genome position (GRCh38, 1-based): chr5:112,767,377, C deleted. VCF-style (leftmost placement, unchanged base first): chr5-112767376-AC-A. GRCh37 (hg19) VCF-style: chr5-112103073-AC-A.
Other names: c.409del, p.Glu138fs (NM_001127510.3, NM_001354895.2, NM_001354896.2 and 16 more transcripts); c.439del, p.Glu148fs (NM_001127511.3, NM_001354897.2, NM_001354902.2 and 1 more transcripts); c.334del, p.Glu113fs (NM_001354898.2, NM_001354904.2, NM_001407451.1); c.232del, p.Glu79fs (NM_001354900.2, NM_001354901.2, NM_001354905.2 and 1 more transcripts); c.-627del (NM_001354906.2, NM_001407470.1, NM_001407471.1 and 1 more transcripts); short protein forms E79fs, E138fs, E113fs, E148fs.
Identifiers: ClinVar variation 3651968 (VCV003651968.2).